The following is an entry in ClinVar:

ClinVar aggregate classification (germline): Benign. Review status: criteria provided, multiple submitters, no conflicts (2 of 4 stars). 3 submissions from 3 submitters: Benign (2). 1 of the submissions does not count toward it. Last evaluated 2018-06-14.

Allele frequency attached by ClinVar (database versions not stated): 1000 Genomes Project 30x 0.96377; 1000 Genomes Project 0.96605; TOPMed 0.97355; gnomAD 0.97418 and 0.97582; gnomAD exomes 0.99763.

Submissions (3):

GeneDx
Classification: Benign. Last evaluated: 2018-06-14. Review status: criteria provided, single submitter. Criteria: GeneDx Variant Classification (06012015). Collection method: clinical testing. Allele origin: germline. Affected: yes.
Comment: This variant is considered likely benign or benign based on one or more of the following criteria: it is a conservative change, it occurs at a poorly conserved position in the protein, it is predicted to be benign by multiple in silico algorithms, and/or has population frequency not consistent with disease.

Breakthrough Genomics
Classification: Benign. Review status: criteria provided, single submitter. Criteria: ACMG Guidelines, 2015. Collection method: not provided. Allele origin: germline. Inheritance: Autosomal recessive inheritance. Affected: yes.

Leiden Muscular Dystrophy (DAG1)
No classification provided. Last evaluated: 2011-05-13. Review status: no classification provided. Collection method: curation. Allele origin: unknown. Not counted in ClinVar's aggregate classification.

NM_004393.6(DAG1):c.286-135G>A

Gene: DAG1 (dystroglycan 1; plus strand). Cytogenetic location: 3p21.31.
Variant type: single nucleotide variant.
Coding change: c.286-135G>A on transcript NM_004393.6 (MANE Select); 135 bases into the intron before coding-DNA position 286, G replaced by A.
Molecular consequence: intron variant.
Genome position (GRCh38, 1-based): chr3:49,530,662, G>A. VCF-style: chr3-49530662-G-A. GRCh37 (hg19) VCF-style: chr3-49568095-G-A.
Other names: c.286-135G>A (NM_001177643.3, NM_001177644.3, NM_001177634.3 and 9 more transcripts).
Identifiers: ClinVar variation 31754 (VCV000031754.5), dbSNP rs2311801, ClinGen allele CA215251.